The following is an entry in ClinVar:

ClinVar aggregate classification (germline): Uncertain significance (1 of 4 stars; one submission).

Allele frequency attached by ClinVar (database versions not stated): gnomAD exomes below 0.00001 and 0.00001; ExAC 0.00004.
gnomAD v4.1: 1 of 1,569,288 alleles (0.000064%); no homozygotes.

Submission:

Labcorp Genetics (formerly Invitae), Labcorp
Classification: Uncertain significance. Last evaluated: 2021-05-07. Review status: criteria provided, single submitter. Criteria: Invitae Variant Classification Sherloc (09022015). Collection method: clinical testing. Allele origin: germline.
Comment: This sequence change replaces arginine with glutamine at codon 3235 of the SZT2 protein (p.Arg3235Gln). The arginine residue is highly conserved and there is a small physicochemical difference between arginine and glutamine. This variant is present in population databases (rs761190000, ExAC 0.01%). This variant has not been reported in the literature in individuals with SZT2-related conditions. Algorithms developed to predict the effect of missense changes on protein structure and function (SIFT, PolyPhen-2, Align-GVGD) all suggest that this variant is likely to be disruptive, but these predictions have not been confirmed by published functional studies and their clinical significance is uncertain. In summary, the available evidence is currently insufficient to determine the role of this variant in disease. Therefore, it has been classified as a Variant of Uncertain Significance.

NM_001365999.1(SZT2):c.9875G>A (p.Arg3292Gln)

Genes: SZT2-AS1 (SZT2 antisense RNA 1; minus strand), SZT2 (SZT2 subunit of KICSTOR complex; plus strand). Cytogenetic location: 1p34.2.
Variant type: single nucleotide variant.
Coding change: c.9875G>A on transcript NM_001365999.1 (MANE Select); coding-DNA position 9875, G replaced by A.
Protein change: p.Arg3292Gln; replaces arginine 3292 with glutamine.
Molecular consequence: missense variant. On other transcripts: non-coding transcript variant (1).
Genome position (GRCh38, 1-based): chr1:43,448,390, G>A. VCF-style: chr1-43448390-G-A. GRCh37 (hg19) VCF-style: chr1-43914061-G-A.
Other names: c.9704G>A, p.Arg3235Gln (NM_015284.4); short protein forms R3292Q, R3235Q.
Identifiers: ClinVar variation 1038333 (VCV001038333.8), dbSNP rs761190000, ClinGen allele CA811024.
Genomic context (GRCh38, chr1:43,448,390, plus strand): 5'-ACTGCCGTCGGGACACCCTTTGGAAGCGCCTCTTCTTGCTGGAGCCACCGGGGCCTGATC[G>A]ACTGCGGCTAGGGGGGCGCCTGGCCCTGGCAGAGCTGGAGGAACTCCTAGAAGCAGTCCA-3'
Protein context (NP_001352928.1, residues 3282-3302): LFLLEPPGPD[Arg3292Gln]LRLGGRLALA